The following is an entry in ClinVar:

ClinVar aggregate classification (germline): Uncertain significance (1 of 4 stars; one submission).

Conditions:
2-aminoadipic 2-oxoadipic aciduria (AAKAD). Also called: Aminoadipic aciduria; ALPHA-AMINOADIPIC AND ALPHA-KETOADIPIC ACIDURIA. Identifiers: Orphanet 79154, MedGen C1859817, MONDO:0008774, OMIM 204750.

gnomAD v4.1: 3 of 1,551,076 alleles (0.00019%); highest among the groups gnomAD compares: African/African-American, 0.0014%; no homozygotes.

Submission:

Labcorp Genetics (formerly Invitae), Labcorp
Classification: Uncertain significance for 2-aminoadipic 2-oxoadipic aciduria. Last evaluated: 2025-07-09. Review status: criteria provided, single submitter. Criteria: Invitae Variant Classification Sherloc (09022015). Collection method: clinical testing. Allele origin: germline.
Comment: This sequence change replaces arginine, which is basic and polar, with histidine, which is basic and polar, at codon 49 of the DHTKD1 protein (p.Arg49His). This variant is not present in population databases (gnomAD no frequency). This variant has not been reported in the literature in individuals affected with DHTKD1-related conditions. Invitae Evidence Modeling of protein sequence and biophysical properties (such as structural, functional, and spatial information, amino acid conservation, physicochemical variation, residue mobility, and thermodynamic stability) indicates that this missense variant is not expected to disrupt DHTKD1 protein function with a negative predictive value of 80%. In summary, the available evidence is currently insufficient to determine the role of this variant in disease. Therefore, it has been classified as a Variant of Uncertain Significance.

NM_018706.7(DHTKD1):c.146G>A (p.Arg49His)

Genes: DHTKD1 (dehydrogenase E1 and transketolase domain containing 1; plus strand), LOC130003343 (ATAC-STARR-seq lymphoblastoid silent region 2137; plus strand). Cytogenetic location: 10p14.
Variant type: single nucleotide variant.
Coding change: c.146G>A on transcript NM_018706.7 (MANE Select); coding-DNA position 146, G replaced by A.
Protein change: p.Arg49His; replaces arginine 49 with histidine.
Molecular consequence: missense variant.
Genome position (GRCh38, 1-based): chr10:12,069,179, G>A. VCF-style: chr10-12069179-G-A. GRCh37 (hg19) VCF-style: chr10-12111178-G-A.
Other names: short protein forms R49H.
Identifiers: ClinVar variation 4741852 (VCV004741852.1).